The following is an entry in ClinVar:

NM_002334.4(LRP4):c.5215del (p.Val1739fs)

Genes: LRP4 (LDL receptor related protein 4; minus strand), LRP4-AS1 (LRP4 antisense RNA 1; plus strand). Cytogenetic location: 11p11.2.
Variant type: Deletion.
Coding change: c.5215del on transcript NM_002334.4 (MANE Select); coding-DNA position 5215, one base deleted (G; older notation c.5215delG).
Protein change: p.Val1739fs; shifts the reading frame from valine 1739.
Molecular consequence: frameshift variant.
Genome position (GRCh38, 1-based): chr11:46,864,476, C deleted on the plus strand (G on the coding strand, the reverse complement: LRP4 is on the minus strand); the first of 2 consecutive C bases (chr11:46,864,476-46,864,477); deleting either gives the same sequence. VCF-style (leftmost placement, unchanged base first): chr11-46864475-AC-A. GRCh37 (hg19) VCF-style: chr11-46886026-AC-A.
Other names: short protein forms V1739fs.
Identifiers: ClinVar variation 3756432 (VCV003756432.2).

ClinVar aggregate classification (germline): Pathogenic (1 of 4 stars; one submission).

Conditions:
Cenani-Lenz syndactyly syndrome. Also called: CENANI SYNDACTYLISM; SYNDACTYLY, TYPE VII. Identifiers: Orphanet 3258, MedGen C1859309, MONDO:0008931, OMIM 212780.
Sclerosteosis 2 (SOST2). Identifiers: Orphanet 3152, MedGen C3280402, MONDO:0013679, OMIM 614305.
Congenital myasthenic syndrome 17. Identifiers: Orphanet 590, MedGen C4225377, MONDO:0014578, OMIM 616304.

Submission:

Labcorp Genetics (formerly Invitae), Labcorp
Classification: Pathogenic for Cenani-Lenz syndactyly syndrome; Sclerosteosis 2; Congenital myasthenic syndrome 17. Last evaluated: 2024-05-19. Review status: criteria provided, single submitter. Criteria: Invitae Variant Classification Sherloc (09022015). Collection method: clinical testing. Allele origin: germline.
Comment: This sequence change creates a premature translational stop signal (p.Val1739Trpfs*2) in the LRP4 gene. It is expected to result in an absent or disrupted protein product. Loss-of-function variants in LRP4 are known to be pathogenic (PMID: 23636941, 24924585). This variant is not present in population databases (gnomAD no frequency). This variant has not been reported in the literature in individuals affected with LRP4-related conditions. Algorithms developed to predict the effect of sequence changes on RNA splicing suggest that this variant may disrupt the consensus splice site. For these reasons, this variant has been classified as Pathogenic.

Literature cited by the submitters: PubMed 23636941; PubMed 24924585.